The following is an entry in ClinVar:

ClinVar aggregate classification (germline): Benign (0 of 4 stars; one submission).

Conditions:
ARFGEF3-related disorder. Also called: ARFGEF3-related condition.

Allele frequency attached by ClinVar (database versions not stated): gnomAD 0.06317; 1000 Genomes Project 0.06769; ESP Exome Variant Server 0.07028; TOPMed 0.07158; 1000 Genomes Project 30x 0.07308.
gnomAD v4.1: 21,042 of 1,613,658 alleles (1.3%); highest among the groups gnomAD compares: African/African-American, 21%; 1,766 homozygotes.

Submission:

PreventionGenetics, part of Exact Sciences
Classification: Benign for ARFGEF3-related condition. Last evaluated: 2019-11-06. Review status: no assertion criteria provided. Collection method: clinical testing. Allele origin: germline.
Comment: This variant is classified as benign based on ACMG/AMP sequence variant interpretation guidelines (Richards et al. 2015 PMID: 25741868, with internal and published modifications).

NM_020340.5(ARFGEF3):c.4785G>A (p.Ala1595=)

Gene: ARFGEF3 (ARFGEF family member 3; plus strand). Cytogenetic location: 6q24.1.
Variant type: single nucleotide variant.
Coding change: c.4785G>A on transcript NM_020340.5 (MANE Select); coding-DNA position 4785, G replaced by A.
Protein change: p.Ala1595=; no amino-acid change (alanine 1595 retained).
Molecular consequence: synonymous variant.
Genome position (GRCh38, 1-based): chr6:138,323,689, G>A. VCF-style: chr6-138323689-G-A. GRCh37 (hg19) VCF-style: chr6-138644826-G-A.
Identifiers: ClinVar variation 3056860 (VCV003056860.2), dbSNP rs17067425, ClinGen allele CA4021465.